The following is an entry in ClinVar:

ClinVar aggregate classification (germline): Pathogenic (1 of 4 stars; one submission).

Conditions:
Joubert syndrome. Also called: CEREBELLOPARENCHYMAL DISORDER IV; JOUBERT-BOLTSHAUSER SYNDROME; Familial aplasia of the vermis. Identifiers: Orphanet 475, MedGen C5979921, MONDO:0018772.
Meckel-Gruber syndrome. Also called: DYSENCEPHALIA SPLANCHNOCYSTICA; GRUBER SYNDROME; Dysencephalia splachnocystica. Identifiers: Orphanet 564, MedGen C0265215, MONDO:0018921.

Submission:

Labcorp Genetics (formerly Invitae), Labcorp
Classification: Pathogenic for Joubert syndrome; Meckel-Gruber syndrome. Last evaluated: 2022-04-30. Review status: criteria provided, single submitter. Criteria: Invitae Variant Classification Sherloc (09022015). Collection method: clinical testing. Allele origin: germline.
Comment: For these reasons, this variant has been classified as Pathogenic. This variant has not been reported in the literature in individuals affected with RPGRIP1L-related conditions. This variant is not present in population databases (gnomAD no frequency). This sequence change creates a premature translational stop signal (p.Ile1153Serfs*2) in the RPGRIP1L gene. It is expected to result in an absent or disrupted protein product. Loss-of-function variants in RPGRIP1L are known to be pathogenic (PMID: 17558409).

Literature cited by the submitters: PubMed 17558409.

NM_015272.5(RPGRIP1L):c.3457del (p.Ile1153fs)

Gene: RPGRIP1L (RPGRIP1 like; minus strand). Cytogenetic location: 16q12.2.
Variant type: Deletion.
Coding change: c.3457del on transcript NM_015272.5 (MANE Select); coding-DNA position 3457, one base deleted (A; older notation c.3457delA).
Protein change: p.Ile1153fs; shifts the reading frame from isoleucine 1153.
Molecular consequence: frameshift variant.
Genome position (GRCh38, 1-based): chr16:53,619,184, T deleted on the plus strand (A on the coding strand, the reverse complement: RPGRIP1L is on the minus strand). VCF-style (leftmost placement, unchanged base first): chr16-53619183-AT-A. GRCh37 (hg19) VCF-style: chr16-53653095-AT-A.
Other names: c.3217del, p.Ile1073fs (NM_001127897.4); c.3319del, p.Ile1107fs (NM_001308334.3); c.3355del, p.Ile1119fs (NM_001330538.2); short protein forms I1153fs, I1073fs, I1119fs, I1107fs.
Identifiers: ClinVar variation 2132070 (VCV002132070.4), dbSNP rs2543791417, ClinGen allele CA2580091595.